The following is an entry in ClinVar:

NM_021244.5(RRAGD):c.227C>T (p.Ser76Leu)

Gene: RRAGD (Ras related GTP binding D; minus strand). Cytogenetic location: 6q15.
Variant type: single nucleotide variant.
Coding change: c.227C>T on transcript NM_021244.5 (MANE Select); coding-DNA position 227, C replaced by T.
Protein change: p.Ser76Leu; replaces serine 76 with leucine.
Molecular consequence: missense variant.
Genome position (GRCh38, 1-based): chr6:89,387,512, G>A on the plus strand (C>T on the coding strand, the complement: RRAGD is on the minus strand). VCF-style: chr6-89387512-G-A. GRCh37 (hg19) VCF-style: chr6-90097231-G-A.
Other names: S76L; p.Ser76Leu.
Identifiers: ClinVar variation 1802633 (VCV001802633.8), dbSNP rs2533173502, ClinGen allele CA364974295.

ClinVar aggregate classification (germline): Pathogenic/Likely pathogenic. Review status: criteria provided, multiple submitters, no conflicts (2 of 4 stars). 7 submissions from 6 submitters: Pathogenic (2); Likely pathogenic (2). 3 of the submissions do not count toward it. Last evaluated 2026-02-10.

Conditions:
Renal tubulopathies.
Hypomagnesemia 7, renal, with or without dilated cardiomyopathy (HOMG7). Identifiers: MedGen C5774266, MONDO:0859328, OMIM 620152.
RRAGD-related disorder. Also called: RRAGD-related condition.

Submissions (7):

GeneDx
Classification: Pathogenic. Last evaluated: 2026-02-10. Review status: criteria provided, single submitter. Criteria: GeneDx Variant Classification Process June 2021. Collection method: clinical testing. Allele origin: germline.
Comment: Not observed at significant frequency in large population cohorts (gnomAD); In silico analysis supports that this missense variant has a deleterious effect on protein structure/function; This variant is associated with the following publications: (PMID: 34607910, 37188688, 41141537, 39331021, 38901414, 38372174)

Center for Molecular Medicine, Children’s Hospital of Fudan University
Classification: Likely pathogenic for Hypomagnesemia 7, renal, with or without dilated cardiomyopathy. Last evaluated: 2025-12-12. Review status: criteria provided, single submitter. Criteria: ACMG Guidelines 2015. Collection method: clinical testing. Allele origin: de novo.
Comment: PS2_Moderate+PP3_Moderate+PM2_Supp+PS4_Supp

PreventionGenetics, part of Exact Sciences
Classification: Pathogenic for RRAGD-related condition. Last evaluated: 2025-10-19. Review status: criteria provided, single submitter. Criteria: ACMG Guidelines, 2015. Collection method: clinical testing. Allele origin: germline.
Comment: The RRAGD c.227C>T variant is predicted to result in the amino acid substitution p.Ser76Leu. This variant has been reported in at least three unrelated individuals with hypomagnesaemia and cardiomyopathy and was confirmed de novo in two of these patients (Schlingmann et al. 2021. PubMed ID: 34607910). An alternate missense substitution (p.Ser76Trp) was also reported to occur de novo in a patient with RRAGD-related disorder (Schlingmann et al. 2021. PubMed ID: 34607910). This variant has not been reported in a large population database (gnomAD), indicating this variant is rare. This variant is interpreted as pathogenic.

Genetics Laboratory, Great Ormond Street Hospital NHS Foundation Trust, North Thames Genomic Laboratory Hub
Classification: Likely pathogenic for Renal tubulopathies. Last evaluated: 2025-09-15. Review status: criteria provided, single submitter. Criteria: ACGS Best Practice Guidelines for Variant Classification in Rare Disease 2024 v1.2. Collection method: clinical testing. Allele origin: germline. Affected: yes.
Comment: PS4_moderate, PM2_moderate, PP3_supporting, PM6_moderate

OMIM
Classification: Pathogenic for HYPOMAGNESEMIA 7, RENAL, WITH OR WITHOUT DILATED CARDIOMYOPATHY. Last evaluated: 2022-12-08. Review status: no assertion criteria provided. Collection method: literature only. Allele origin: germline. Not counted in ClinVar's aggregate classification.

Undiagnosed Diseases Network, NIH
Classification: Pathogenic for RRAGD-related condition. Last evaluated: 2022-11-08. Review status: no assertion criteria provided. Collection method: clinical testing. Allele origin: de novo. Affected: yes. Observed: 1 variant allele, 1 heterozygote. Not counted in ClinVar's aggregate classification.

Undiagnosed Diseases Network, NIH
Classification: Pathogenic for Hypomagnesemia 7, renal, with or without dilated cardiomyopathy. Last evaluated: 2022-11-08. Review status: no assertion criteria provided. Collection method: clinical testing. Allele origin: de novo. Affected: yes. Observed: 1 variant allele, 1 heterozygote. Study: Undiagnosed Diseases Network (NIH), UDN. Not counted in ClinVar's aggregate classification.

Literature cited by the submitters: PubMed 34607910 (cited by OMIM and Undiagnosed Diseases Network, NIH).